The following is an entry in ClinVar:

NM_001098426.2(SMARCD2):c.724C>A (p.Pro242Thr)

Gene: SMARCD2 (SWI/SNF related BAF chromatin remodeling complex subunit D2; minus strand). Cytogenetic location: 17q23.3.
Variant type: single nucleotide variant.
Coding change: c.724C>A on transcript NM_001098426.2 (MANE Select); coding-DNA position 724, C replaced by A.
Protein change: p.Pro242Thr; replaces proline 242 with threonine.
Molecular consequence: missense variant.
Genome position (GRCh38, 1-based): chr17:63,834,800, G>T on the plus strand (C>A on the coding strand, the complement: SMARCD2 is on the minus strand). VCF-style: chr17-63834800-G-T. GRCh37 (hg19) VCF-style: chr17-61912160-G-T.
Other names: c.499C>A, p.Pro167Thr (NM_001330439.1); c.580C>A, p.Pro194Thr (NM_001330440.2); short protein forms P167T, P194T, P242T.
Identifiers: ClinVar variation 1963720 (VCV001963720.4), dbSNP rs2040244161, ClinGen allele CA400600704.

ClinVar aggregate classification (germline): Uncertain significance (1 of 4 stars; one submission).

gnomAD v4.1: 2 of 1,606,912 alleles (0.00012%); highest among the groups gnomAD compares: Middle Eastern, 0.017%; no homozygotes.

Submission:

Labcorp Genetics (formerly Invitae), Labcorp
Classification: Uncertain significance. Last evaluated: 2022-06-13. Review status: criteria provided, single submitter. Criteria: Invitae Variant Classification Sherloc (09022015). Collection method: clinical testing. Allele origin: germline.
Comment: This sequence change replaces proline, which is neutral and non-polar, with threonine, which is neutral and polar, at codon 242 of the SMARCD2 protein (p.Pro242Thr). This variant is not present in population databases (gnomAD no frequency). This variant has not been reported in the literature in individuals affected with SMARCD2-related conditions. Algorithms developed to predict the effect of missense changes on protein structure and function are either unavailable or do not agree on the potential impact of this missense change (SIFT: "Deleterious"; PolyPhen-2: "Benign"; Align-GVGD: "Class C0"). In summary, the available evidence is currently insufficient to determine the role of this variant in disease. Therefore, it has been classified as a Variant of Uncertain Significance.